The following is an entry in ClinVar:

ClinVar aggregate classification (germline): Uncertain significance (1 of 4 stars; one submission).

Conditions:
Progressive myoclonic epilepsy. Also called: Myoclonic Epilepsies, Progressive; Familial progressive myoclonic epilepsy; Myoclonus epilepsy; Progressive myoclonus epilepsy. Identifiers: Orphanet 308, Orphanet 98261, MedGen C0751778, MONDO:0020074.

Submission:

Labcorp Genetics (formerly Invitae), Labcorp
Classification: Uncertain significance for Progressive myoclonic epilepsy. Last evaluated: 2020-01-08. Review status: criteria provided, single submitter. Criteria: Invitae Variant Classification Sherloc (09022015). Collection method: clinical testing. Allele origin: germline.
Comment: In summary, the available evidence is currently insufficient to determine the role of this variant in disease. Therefore, it has been classified as a Variant of Uncertain Significance. Algorithms developed to predict the effect of missense changes on protein structure and function (SIFT, PolyPhen-2, Align-GVGD) all suggest that this variant is likely to be disruptive, but these predictions have not been confirmed by published functional studies and their clinical significance is uncertain. This variant has not been reported in the literature in individuals with EPM2A-related conditions. This variant is not present in population databases (ExAC no frequency). This sequence change replaces methionine with threonine at codon 236 of the EPM2A protein (p.Met236Thr). The methionine residue is highly conserved and there is a moderate physicochemical difference between methionine and threonine.

NM_005670.4(EPM2A):c.707T>C (p.Met236Thr)

Gene: EPM2A (EPM2A glucan phosphatase, laforin; minus strand). Cytogenetic location: 6q24.3.
Variant type: single nucleotide variant.
Coding change: c.707T>C on transcript NM_005670.4 (MANE Select); coding-DNA position 707, T replaced by C.
Protein change: p.Met236Thr; replaces methionine 236 with threonine.
Molecular consequence: missense variant. On other transcripts: intron variant (1).
Genome position (GRCh38, 1-based): chr6:145,635,256, A>G on the plus strand (T>C on the coding strand, the complement: EPM2A is on the minus strand). VCF-style: chr6-145635256-A-G. GRCh37 (hg19) VCF-style: chr6-145956392-A-G.
Other names: c.707T>C, p.Met236Thr (NM_001018041.2, NM_001368130.1); c.293T>C, p.Met98Thr (NM_001360064.2, NM_001360071.2, NM_001368131.1); c.245T>C, p.Met82Thr (NM_001368129.2, NM_001368132.1); c.477-7563T>C (NM_001360057.2); short protein forms M82T, M236T, M98T.
Identifiers: ClinVar variation 945480 (VCV000945480.9), dbSNP rs1776560298, ClinGen allele CA366190819.